The following is an entry in ClinVar:

NM_000108.5(DLD):c.104dup (p.Tyr35Ter)

Gene: DLD (dihydrolipoamide dehydrogenase; plus strand). Cytogenetic location: 7q31.1.
Variant type: Duplication.
Coding change: c.104dup on transcript NM_000108.5 (MANE Select); coding-DNA position 104, one base duplicated (A; older notation c.104dupA).
Protein change: p.Tyr35Ter; replaces tyrosine 35 with a stop codon.
Molecular consequence: nonsense. On other transcripts: 5 prime UTR variant (1).
Genome position (GRCh38, 1-based): chr7:107,893,264, A duplicated. VCF-style (leftmost placement, unchanged base first): chr7-107893263-T-TA. GRCh37 (hg19) VCF-style: chr7-107533708-T-TA.
Other names: c.-45dup (NM_001289750.1); c.104dup, p.Tyr35Ter (NM_001289751.1, NM_001289752.1); c.104dupA (NM_000108.5, NM_000108.3, NM_000108.4); short protein forms Y35*.
Identifiers: ClinVar variation 370072 (VCV000370072.50), dbSNP rs753234219, ClinGen allele CA4434353.
Genomic context (GRCh38, chr7:107,893,263, plus strand): 5'-GGCCATTTCAATCGAATATCTCATGGCCTACAGGGACTTTCTGCAGTGCCTCTGAGAACT[T>TA]ACGCAGATCAGCCGAGTAAGTACTTAAGTAAAACATTTTTTTCATCACATTAGCTGACAG-3'

ClinVar aggregate classification (germline): Pathogenic. Review status: criteria provided, multiple submitters, no conflicts (2 of 4 stars). 9 submissions from 9 submitters: Pathogenic (8). 1 of the submissions does not count toward it. Last evaluated 2026-01-14.

Conditions:
Pyruvate dehydrogenase E3 deficiency (DLDD). Also called: Lipoamide dehydrogenase deficiency, lactic acidosis due to; DLD DEFICIENCY; E3 DEFICIENCY; Dihydrolipoamide Dehydrogenase (E3) Deficiency; Lipoamide dehydrogenase deficiency; Dihydrolipoamide Dehydrogenase Deficiency. Identifiers: Orphanet 2394, Orphanet 765, MedGen C5574660, MONDO:0009529, OMIM 246900.

Allele frequency attached by ClinVar (database versions not stated): TOPMed below 0.00001; gnomAD exomes 0.00001; ExAC 0.00002.

Submissions (9):

Natera, Inc.
Classification: Pathogenic for Maple syrup urine disease type 3. Last evaluated: 2026-01-14. Review status: criteria provided, single submitter. Criteria: Natera Variant Classification Schema (03/2026). Collection method: clinical testing. Allele origin: germline.
Comment: The c.104dupA variant in DLD is a frameshift variant predicted to shift the reading frame and introduce a stop codon. This variant is expected to result in nonsense mediated decay, truncation, or a dysfunctional protein product. This variant is rare in the general population with a frequency below the threshold expected for the associated phenotype(s). This variant has been observed in one or more individuals affected with the associated recessive disease, as either homozygous or compound heterozygous with a second variant (PMID: 9934985). Given the available evidence, this variant is classified as Pathogenic.

Labcorp Genetics (formerly Invitae), Labcorp
Classification: Pathogenic for Pyruvate dehydrogenase E3 deficiency. Last evaluated: 2024-06-12. Review status: criteria provided, single submitter. Criteria: Invitae Variant Classification Sherloc (09022015). Collection method: clinical testing. Allele origin: germline.
Comment: This sequence change creates a premature translational stop signal (p.Tyr35*) in the DLD gene. It is expected to result in an absent or disrupted protein product. Loss-of-function variants in DLD are known to be pathogenic (PMID: 8968745, 9934985). This variant is present in population databases (rs753234219, gnomAD 0.003%). This premature translational stop signal has been observed in individuals with dihydrolipoamide dehydrogenase deficiency (PMID: 8968745, 9934985). ClinVar contains an entry for this variant (Variation ID: 370072). For these reasons, this variant has been classified as Pathogenic.

Fulgent Genetics
Classification: Pathogenic for Pyruvate dehydrogenase E3 deficiency. Last evaluated: 2024-06-05. Review status: criteria provided, single submitter. Criteria: ACMG Guidelines, 2015. Collection method: clinical testing. Allele origin: germline.

GeneDx
Classification: Pathogenic. Last evaluated: 2023-10-04. Review status: criteria provided, single submitter. Criteria: GeneDx Variant Classification Process June 2021. Collection method: clinical testing. Allele origin: germline. Affected: yes.
Comment: Not observed at significant frequency in large population cohorts (gnomAD); Nonsense variant predicted to result in protein truncation or nonsense mediated decay in a gene for which loss-of-function is a known mechanism of disease; This variant is associated with the following publications: (PMID: 18362926, 25356417, 8968745, 20672374, 9934985, 15712224, 7815230, 23995961, 9298831)

Baylor Genetics
Classification: Pathogenic for Pyruvate dehydrogenase E3 deficiency. Last evaluated: 2023-08-09. Review status: criteria provided, single submitter. Criteria: ACMG Guidelines, 2015. Collection method: clinical testing. Allele origin: unknown.

CeGaT Center for Human Genetics Tuebingen
Classification: Pathogenic. Last evaluated: 2023-08-01. Review status: criteria provided, single submitter. Criteria: CeGaT Center For Human Genetics Tuebingen Variant Classification Criteria Version 2. Collection method: clinical testing. Allele origin: germline. Affected: yes. Observed: 1 variant allele.
Comment: DLD: PVS1, PM2, PM3

Women's Health and Genetics/Laboratory Corporation of America, LabCorp
Classification: Pathogenic for Maple syrup urine disease, type 3. Last evaluated: 2020-01-10. Review status: criteria provided, single submitter. Criteria: LabCorp Variant Classification Summary - May 2015. Collection method: clinical testing. Allele origin: germline.
Comment: Variant summary: DLD c.104dupA (p.Tyr35X) results in a premature termination codon, predicted to cause a truncation of the encoded protein or absence of the protein due to nonsense mediated decay, which are commonly known mechanisms for disease. The variant allele was found at a frequency of 1.2e-05 in 250616 control chromosomes (gnomAD). c.104dupA has been reported in the literature in individuals (in compound heterozygous state) affected with Dihydrolipoamide Dehydrogenase Deficiency (MSUD Type 3) (Hong_1996, Shaag_1999). These data indicate that the variant may be associated with disease. Biochemical studies report this variant effect results in decreasing normal activity (Hong_1996, Shaag_1999). One ClinVar submitter (evaluation after 2014) cites the variant as likely pathogenic. Based on the evidence outlined above, the variant was classified as pathogenic.

Myriad Genetics, Inc.
Classification: Pathogenic for Pyruvate dehydrogenase E3 deficiency. Last evaluated: 2019-12-17. Review status: criteria provided, single submitter. Criteria: Myriad Women's Health Autosomal Recessive and X-Linked Classification Criteria (2019). Collection method: clinical testing. Allele origin: unknown.
Comment: NM_000108.3(DLD):c.104dupA(Y35*) is classified as pathogenic in the context of dihydrolipoamide dehydrogenase deficiency. Sources cited for classification include the following: PMID 9298831 and 8968745. Classification of NM_000108.3(DLD):c.104dupA(Y35*) is based on the following criteria: The variant causes a premature termination codon that is expected to be targeted by nonsense-mediated mRNA decay and is reported in individuals with the relevant phenotype. Please note: this variant was assessed in the context of healthy population screening.

OMIM
Classification: Pathogenic for DIHYDROLIPOAMIDE DEHYDROGENASE DEFICIENCY. Last evaluated: 2005-03-01. Review status: no assertion criteria provided. Collection method: literature only. Allele origin: germline. Not counted in ClinVar's aggregate classification.

Literature cited by the submitters: PubMed 9934985 (cited by 3 submitters); PubMed 8968745 (cited by 4 submitters); PubMed 15712224 (cited by Women's Health and Genetics/Laboratory Corporation of America, LabCorp and OMIM); PubMed 25356417 (cited by Women's Health and Genetics/Laboratory Corporation of America, LabCorp); PubMed 23995961 (cited by Women's Health and Genetics/Laboratory Corporation of America, LabCorp); PubMed 23290025 (cited by Women's Health and Genetics/Laboratory Corporation of America, LabCorp); PubMed 10448086 (cited by Women's Health and Genetics/Laboratory Corporation of America, LabCorp); PubMed 9298831 (cited by Myriad Genetics, Inc. and OMIM); PubMed 8652022 (cited by OMIM).